The following is an entry in ClinVar:

ClinVar aggregate classification (germline): Conflicting classifications of pathogenicity. Review status: criteria provided, conflicting classifications (1 of 4 stars). 10 submissions from 10 submitters: Uncertain significance (1); Likely benign (5). 4 of the submissions do not count toward it. Last evaluated 2026-02-02.

Conditions:
IFT140-related disorder. Also called: IFT140-related condition.
Saldino-Mainzer syndrome (SRTD9). Also called: CONORENAL SYNDROME; SHORT-RIB THORACIC DYSPLASIA 9 WITHOUT POLYDACTYLY; short-rib thoracic dysplasia 9 with or without polydactyly; Renal dysplasia, retinal pigmentary dystrophy, cerebellar ataxia and skeletal dysplasia. Identifiers: Orphanet 140969, MedGen C1849437, MONDO:0009964, OMIM 266920.

Allele frequency attached by ClinVar (database versions not stated): 1000 Genomes Project 30x 0.00094; 1000 Genomes Project 0.00120; TOPMed 0.00162; gnomAD 0.00168 and 0.00175; ESP Exome Variant Server 0.00185; ExAC 0.00233.
gnomAD v4.1: 3,637 of 1,598,558 alleles (0.23%); highest among the groups gnomAD compares: South Asian, 0.61%; 20 homozygotes.

Submissions (10):

Labcorp Genetics (formerly Invitae), Labcorp
Classification: Likely benign for Saldino-Mainzer syndrome. Last evaluated: 2026-02-02. Review status: criteria provided, single submitter. Criteria: Invitae Variant Classification Sherloc (09022015). Collection method: clinical testing. Allele origin: germline.

Blueprint Genetics
Classification: Likely benign. Last evaluated: 2024-11-26. Review status: criteria provided, single submitter. Criteria: ACMG Guidelines, 2015. Collection method: clinical testing. Allele origin: germline.

CeGaT Center for Human Genetics Tuebingen
Classification: Likely benign. Last evaluated: 2024-06-01. Review status: criteria provided, single submitter. Criteria: CeGaT Center For Human Genetics Tuebingen Variant Classification Criteria Version 2. Collection method: clinical testing. Allele origin: germline. Affected: yes. Observed: 2 variant alleles.
Comment: IFT140: BP4, BS2

Illumina Laboratory Services, Illumina
Classification: Likely benign for Saldino-Mainzer syndrome. Last evaluated: 2018-01-12. Review status: criteria provided, single submitter. Criteria: ICSL Variant Classification Criteria 13 December 2019. Collection method: clinical testing. Allele origin: germline.
Comment: This variant was observed in the ICSL laboratory as part of a predisposition screen in an ostensibly healthy population. It had not been previously curated by ICSL or reported in the Human Gene Mutation Database (HGMD: prior to June 1st, 2018), and was therefore a candidate for classification through an automated scoring system. Utilizing variant allele frequency, disease prevalence and penetrance estimates, and inheritance mode, an automated score was calculated to assess if this variant is too frequent to cause the disease. Based on the score and internal cut-off values, a variant classified as likely benign is not then subjected to further curation. The score for this variant resulted in a classification of likely benign for this disease.

Eurofins Ntd Llc (ga)
Classification: Likely benign. Last evaluated: 2016-12-16. Review status: criteria provided, single submitter. Criteria: EGL Classification Definitions 2015. Collection method: clinical testing. Allele origin: germline. Observed: 1 variant allele, 1 homozygote.

GeneDx
Classification: Uncertain significance. Last evaluated: 2016-11-23. Review status: criteria provided, single submitter. Criteria: GeneDx Variant Classification (06012015). Collection method: clinical testing. Allele origin: germline. Affected: yes.
Comment: The Q1331H variant in the IFT140 gene has not been reported previously as a pathogenic variant, nor as a benign variant, to our knowledge. Although not present in the homozygous state, the NHLBI ESP Exome Sequencing Project reports Q1331H was observed in 23/8600 alleles (0.27%) from individuals of European ancestry, indicating it may be a rare variant in this population. The Q1331H variant is a semi-conservative amino acid substitution, which may impact secondary protein structure as these residues differ in some properties. This substitution also occurs at a position that is conserved across mammalian species. However, in silico analysis is inconsistent in its predictions as to whether or not the variant is damaging to the protein structure/function. We interpret Q1331H as a variant of uncertain significance.

PreventionGenetics, part of Exact Sciences
Classification: Likely benign for IFT140-related condition. Last evaluated: 2019-11-14. Review status: no assertion criteria provided. Collection method: clinical testing. Allele origin: germline. Not counted in ClinVar's aggregate classification.
Comment: This variant is classified as likely benign based on ACMG/AMP sequence variant interpretation guidelines (Richards et al. 2015 PMID: 25741868, with internal and published modifications).

Clinical Genetics DNA and cytogenetics Diagnostics Lab, Erasmus MC, Erasmus Medical Center
Classification: Likely benign. Review status: no assertion criteria provided. Collection method: clinical testing. Allele origin: germline. Affected: yes. Study: VKGL Data-share Consensus. Not counted in ClinVar's aggregate classification.

Clinical Genetics, Academic Medical Center
Classification: Likely benign. Review status: no assertion criteria provided. Collection method: clinical testing. Allele origin: germline. Affected: yes. Study: VKGL Data-share Consensus. Not counted in ClinVar's aggregate classification.

Laboratory of Diagnostic Genome Analysis, Leiden University Medical Center (LUMC)
Classification: Likely benign. Review status: no assertion criteria provided. Collection method: clinical testing. Allele origin: germline. Affected: yes. Study: VKGL Data-share Consensus. Not counted in ClinVar's aggregate classification.

NM_014714.4(IFT140):c.3993G>C (p.Gln1331His)

Gene: IFT140 (intraflagellar transport 140; minus strand). Cytogenetic location: 16p13.3.
Variant type: single nucleotide variant.
Coding change: c.3993G>C on transcript NM_014714.4 (MANE Select); coding-DNA position 3993, G replaced by C.
Protein change: p.Gln1331His; replaces glutamine 1331 with histidine.
Molecular consequence: missense variant.
Genome position (GRCh38, 1-based): chr16:1,519,928, C>G on the plus strand (G>C on the coding strand, the complement: IFT140 is on the minus strand). VCF-style: chr16-1519928-C-G. GRCh37 (hg19) VCF-style: chr16-1569929-C-G.
Other names: short protein forms Q1331H.
Identifiers: ClinVar variation 317992 (VCV000317992.54), dbSNP rs35823417, ClinGen allele CA7812958.